The following is an entry in ClinVar:

NC_000005.9:g.(156693206_156712348)_(156734874_156736750)dup

Gene: CYFIP2 (cytoplasmic FMR1 interacting protein 2; plus strand). Cytogenetic location: 5q33.3.
Variant type: Duplication.
Identifiers: ClinVar variation 4848542 (VCV004848542.1).

ClinVar aggregate classification (germline): Uncertain significance (1 of 4 stars; one submission).

Submission:

Women's Health and Genetics/Laboratory Corporation of America, LabCorp
Classification: Uncertain significance. Last evaluated: 2026-04-29. Review status: criteria provided, single submitter. Criteria: LabCorp Variant Classification Summary - May 2015. Collection method: clinical testing. Allele origin: germline.
Comment: Variant summary: The variant involves the duplication of exons 2-9 in the CYFIP2 gene. A presumed nomenclature of c.(-24+1_-23-1)_(900+1_901-1)dup has been designated for the purposes of this classification. This variant is predicted to duplicate a segment including the initiation codon, therefore its impact on the encoded protein is unknown. The variant was absent in 21694 control chromosomes. The available data on variant occurrences in the general population are insufficient to allow any conclusion about variant significance. To our knowledge, no occurrence of c.(-24+1_-23-1)_(900+1_901-1)dup in individuals affected with CYFIP2-related conditions and no experimental evidence demonstrating its impact on protein function have been reported. No submitters have cited clinical-significance assessments for this variant to ClinVar. Based on the evidence outlined above, the variant was classified as uncertain significance.